The following is an entry in ClinVar:

ClinVar aggregate classification (germline): Uncertain significance. Review status: criteria provided, multiple submitters, no conflicts (2 of 4 stars). 2 submissions from 2 submitters: Uncertain significance (2). Last evaluated 2025-12-21.

Conditions:
Hereditary cancer-predisposing syndrome. Also called: Neoplastic Syndromes, Hereditary; Tumor predisposition; Hereditary Cancer Syndrome; Hereditary neoplastic syndrome. Identifiers: Orphanet 140162, MedGen C0027672, MeSH D009386, MONDO:0015356.

Submissions (2):

Labcorp Genetics (formerly Invitae), Labcorp
Classification: Uncertain significance. Last evaluated: 2025-12-21. Review status: criteria provided, single submitter. Criteria: Invitae Variant Classification Sherloc (09022015). Collection method: clinical testing. Allele origin: germline.
Comment: This sequence change replaces valine, which is neutral and non-polar, with leucine, which is neutral and non-polar, at codon 125 of the CTNNA1 protein (p.Val125Leu). This variant is not present in population databases (gnomAD no frequency). This variant has not been reported in the literature in individuals affected with CTNNA1-related conditions. ClinVar contains an entry for this variant (Variation ID: 1734467). Invitae Evidence Modeling of protein sequence and biophysical properties (such as structural, functional, and spatial information, amino acid conservation, physicochemical variation, residue mobility, and thermodynamic stability) indicates that this missense variant is not expected to disrupt CTNNA1 protein function with a negative predictive value of 80%. In summary, the available evidence is currently insufficient to determine the role of this variant in disease. Therefore, it has been classified as a Variant of Uncertain Significance.

Ambry Genetics
Classification: Uncertain significance for Hereditary cancer-predisposing syndrome. Last evaluated: 2021-01-08. Review status: criteria provided, single submitter. Criteria: Ambry Variant Classification Scheme 2023. Collection method: clinical testing. Allele origin: germline.
Comment: The p.V125L variant (also known as c.373G>C), located in coding exon 3 of the CTNNA1 gene, results from a G to C substitution at nucleotide position 373. The valine at codon 125 is replaced by leucine, an amino acid with highly similar properties. This amino acid position is highly conserved in available vertebrate species. In addition, the in silico prediction for this alteration is inconclusive. Since supporting evidence is limited at this time, the clinical significance of this alteration remains unclear.

NM_001903.5(CTNNA1):c.373G>C (p.Val125Leu)

Gene: CTNNA1 (catenin alpha 1; plus strand). Cytogenetic location: 5q31.2.
Variant type: single nucleotide variant.
Coding change: c.373G>C on transcript NM_001903.5 (MANE Select); coding-DNA position 373, G replaced by C.
Protein change: p.Val125Leu; replaces valine 125 with leucine.
Molecular consequence: missense variant.
Genome position (GRCh38, 1-based): chr5:138,810,109, G>C. VCF-style: chr5-138810109-G-C. GRCh37 (hg19) VCF-style: chr5-138145798-G-C.
Other names: c.373G>C, p.Val125Leu (NM_001290307.3, NM_001323982.2, NM_001323983.1 and 3 more transcripts); c.64G>C, p.Val22Leu (NM_001290309.3); c.4G>C, p.Val2Leu (NM_001290310.3); short protein forms V2L, V22L, V125L.
Identifiers: ClinVar variation 1734467 (VCV001734467.3), dbSNP rs2532330122, ClinGen allele CA361123077.